The following is an entry in ClinVar:

NM_000038.6(APC):c.897T>G (p.Ser299=)

Gene: APC (APC regulator of Wnt signaling pathway; plus strand). Cytogenetic location: 5q22.2.
Variant type: single nucleotide variant.
Coding change: c.897T>G on transcript NM_000038.6 (MANE Select); coding-DNA position 897, T replaced by G.
Protein change: p.Ser299=; no amino-acid change (serine 299 retained).
Molecular consequence: synonymous variant. On other transcripts: non-coding transcript variant (2).
Genome position (GRCh38, 1-based): chr5:112,815,557, T>G. VCF-style: chr5-112815557-T-G. GRCh37 (hg19) VCF-style: chr5-112151254-T-G.
Other names: c.897T>G, p.Ser299= (NM_001127510.3, NM_001354895.2, NM_001354896.2 and 12 more transcripts); c.843T>G, p.Ser281= (NM_001127511.3); c.927T>G, p.Ser309= (NM_001354897.2, NM_001354902.2, NM_001407446.1); c.822T>G, p.Ser274= (NM_001354898.2, NM_001354904.2, NM_001407451.1); c.813T>G, p.Ser271= (NM_001354899.2, NM_001407452.1, NM_001407467.1 and 1 more transcripts); c.720T>G, p.Ser240= (NM_001354900.2, NM_001354901.2, NM_001354905.2 and 1 more transcripts); c.48T>G, p.Ser16= (NM_001354906.2, NM_001407470.1, NM_001407471.1 and 1 more transcripts).
Identifiers: ClinVar variation 3148063 (VCV003148063.1), dbSNP rs1762425713, ClinGen allele CA445755707.

ClinVar aggregate classification (germline): Benign (1 of 4 stars; one submission).

Conditions:
Familial adenomatous polyposis 1 (FAP1). Also called: POLYPOSIS, ADENOMATOUS INTESTINAL; FAMILIAL ADENOMATOUS POLYPOSIS 1, ATTENUATED. Identifiers: MedGen C2713442, MONDO:0021056, OMIM 175100. Disease mechanism: loss of function.

Submission:

Myriad Genetics, Inc.
Classification: Benign for Familial adenomatous polyposis 1. Last evaluated: 2024-02-27. Review status: criteria provided, single submitter. Criteria: Myriad Autosomal Dominant, Autosomal Recessive and X-Linked Classification Criteria (2023). Collection method: clinical testing. Allele origin: unknown.
Comment: This variant is considered benign. This variant is a silent/synonymous amino acid change and it is not expected to impact splicing.